The following is an entry in ClinVar:

NM_004958.4(MTOR):c.2980A>T (p.Met994Leu)

Gene: MTOR (mechanistic target of rapamycin kinase; minus strand). Cytogenetic location: 1p36.22.
Variant type: single nucleotide variant.
Coding change: c.2980A>T on transcript NM_004958.4 (MANE Select); coding-DNA position 2980, A replaced by T.
Protein change: p.Met994Leu; replaces methionine 994 with leucine.
Molecular consequence: missense variant.
Genome position (GRCh38, 1-based): chr1:11,228,718, T>A on the plus strand (A>T on the coding strand, the complement: MTOR is on the minus strand). VCF-style: chr1-11228718-T-A. GRCh37 (hg19) VCF-style: chr1-11288775-T-A.
Other names: c.2980A>T, p.Met994Leu (NM_001386500.1); c.1732A>T, p.Met578Leu (NM_001386501.1); short protein forms M578L, M994L.
Identifiers: ClinVar variation 1723852 (VCV001723852.2), dbSNP rs1316776406, ClinGen allele CA338378809.

ClinVar aggregate classification (germline): Uncertain significance (1 of 4 stars; one submission).

Allele frequency attached by ClinVar (database versions not stated): gnomAD exomes below 0.00001; gnomAD 0.00001.

Submission:

GeneDx
Classification: Uncertain significance. Last evaluated: 2022-05-13. Review status: criteria provided, single submitter. Criteria: GeneDx Variant Classification Process June 2021. Collection method: clinical testing. Allele origin: germline. Affected: yes.
Comment: In silico analysis supports that this missense variant does not alter protein structure/function; Has not been previously published as pathogenic or benign to our knowledge